The following is an entry in ClinVar:

ClinVar aggregate classification (germline): Uncertain significance (1 of 4 stars; one submission).

Conditions:
SEMA3G-related disorder. Also called: SEMA3G-related condition.

gnomAD v4.1: 18 of 1,612,964 alleles (0.0011%); highest among the groups gnomAD compares: East Asian, 0.0067%; no homozygotes.

Submission:

PreventionGenetics, part of Exact Sciences
Classification: Uncertain significance for SEMA3G-related condition. Last evaluated: 2026-01-16. Review status: criteria provided, single submitter. Criteria: ACMG Guidelines, 2015. Collection method: clinical testing. Allele origin: germline.
Comment: The SEMA3G c.1679G>A variant is predicted to result in the amino acid substitution p.Arg560His. To our knowledge, this variant has not been reported in the literature. This variant is reported in 0.0064% of alleles in individuals of African descent in gnomAD. At this time, the clinical significance of this variant is uncertain due to the absence of conclusive functional and genetic evidence.

NM_020163.3(SEMA3G):c.1679G>A (p.Arg560His)

Gene: SEMA3G (semaphorin 3G; minus strand). Cytogenetic location: 3p21.1.
Variant type: single nucleotide variant.
Coding change: c.1679G>A on transcript NM_020163.3 (MANE Select); coding-DNA position 1679, G replaced by A.
Protein change: p.Arg560His; replaces arginine 560 with histidine.
Molecular consequence: missense variant.
Genome position (GRCh38, 1-based): chr3:52,438,030, C>T on the plus strand (G>A on the coding strand, the complement: SEMA3G is on the minus strand). VCF-style: chr3-52438030-C-T. GRCh37 (hg19) VCF-style: chr3-52472046-C-T.
Other names: short protein forms R560H.
Identifiers: ClinVar variation 4988669 (VCV004988669.1).